The following is an entry in ClinVar:

ClinVar aggregate classification (germline): Pathogenic (1 of 4 stars; one submission).

Conditions:
DICER1-related tumor predisposition. Also called: DICER1-related pleuropulmonary blastoma cancer predisposition syndrome; DICER1 syndrome. Identifiers: Orphanet 284343, MedGen C3839822, MONDO:0100216.

Submission:

Labcorp Genetics (formerly Invitae), Labcorp
Classification: Pathogenic for DICER1-related tumor predisposition. Last evaluated: 2024-08-13. Review status: criteria provided, single submitter. Criteria: Invitae Variant Classification Sherloc (09022015). Collection method: clinical testing. Allele origin: germline.
Comment: This sequence change creates a premature translational stop signal (p.His633Glnfs*19) in the DICER1 gene. It is expected to result in an absent or disrupted protein product. Loss-of-function variants in DICER1 are known to be pathogenic (PMID: 19556464, 21266384). This variant is not present in population databases (gnomAD no frequency). This variant has not been reported in the literature in individuals affected with DICER1-related conditions. For these reasons, this variant has been classified as Pathogenic.

Literature cited by the submitters: PubMed 19556464; PubMed 21266384.

NM_177438.3(DICER1):c.1894_1898dup (p.His633fs)

Gene: DICER1 (dicer 1, ribonuclease III; minus strand). Cytogenetic location: 14q32.13.
Variant type: Duplication.
Coding change: c.1894_1898dup on transcript NM_177438.3 (MANE Select); coding-DNA positions 1894 to 1898, 5 bases duplicated (GGACA; older notation c.1894_1898dupGGACA).
Protein change: p.His633fs; shifts the reading frame from histidine 633.
Molecular consequence: frameshift variant. On other transcripts: non-coding transcript variant (6).
Genome position (GRCh38, 1-based): chr14:95,115,676-95,115,680, TGTCC duplicated on the plus strand (GGACA on the coding strand, the reverse complement: DICER1 is on the minus strand). VCF-style (leftmost placement, unchanged base first): chr14-95115675-G-GTGTCC. GRCh37 (hg19) VCF-style: chr14-95582012-G-GTGTCC.
Other names: c.1894_1898dup, p.His633fs (NM_001195573.1, NM_001271282.3, NM_001291628.2 and 12 more transcripts); c.1612_1616dup, p.His539fs (NM_001395686.1); c.1489_1493dup, p.His498fs (NM_001395687.1, NM_001395688.1, NM_001395689.1 and 3 more transcripts); c.1327_1331dup, p.His444fs (NM_001395691.1); c.211_215dup, p.His72fs (NM_001395697.1); short protein forms H498fs, H444fs, H633fs, H72fs, H539fs.
Identifiers: ClinVar variation 3662206 (VCV003662206.2).